The following is an entry in ClinVar:

NM_004995.4(MMP14):c.766A>G (p.Ile256Val)

Gene: MMP14 (matrix metallopeptidase 14; plus strand). Cytogenetic location: 14q11.2.
Variant type: single nucleotide variant.
Coding change: c.766A>G on transcript NM_004995.4 (MANE Select); coding-DNA position 766, A replaced by G.
Protein change: p.Ile256Val; replaces isoleucine 256 with valine.
Molecular consequence: missense variant.
Genome position (GRCh38, 1-based): chr14:22,843,334, A>G. VCF-style: chr14-22843334-A-G. GRCh37 (hg19) VCF-style: chr14-23312543-A-G.
Other names: short protein forms I256V.
Identifiers: ClinVar variation 4694696 (VCV004694696.1).

ClinVar aggregate classification (germline): Uncertain significance (1 of 4 stars; one submission).

gnomAD v4.1: 1 of 1,614,036 alleles (0.000062%); no homozygotes.

Submission:

Labcorp Genetics (formerly Invitae), Labcorp
Classification: Uncertain significance. Last evaluated: 2025-08-13. Review status: criteria provided, single submitter. Criteria: Invitae Variant Classification Sherloc (09022015). Collection method: clinical testing. Allele origin: germline.
Comment: This sequence change replaces isoleucine, which is neutral and non-polar, with valine, which is neutral and non-polar, at codon 256 of the MMP14 protein (p.Ile256Val). This variant is present in population databases (rs372126942, gnomAD 0.0009%). This variant has not been reported in the literature in individuals affected with MMP14-related conditions. Invitae Evidence Modeling of protein sequence and biophysical properties (such as structural, functional, and spatial information, amino acid conservation, physicochemical variation, residue mobility, and thermodynamic stability) indicates that this missense variant is not expected to disrupt MMP14 protein function with a negative predictive value of 80%. In summary, the available evidence is currently insufficient to determine the role of this variant in disease. Therefore, it has been classified as a Variant of Uncertain Significance.